The following is an entry in ClinVar:

NM_013275.6(ANKRD11):c.3239_3240del (p.Leu1080fs)

Gene: ANKRD11 (ankyrin repeat domain 11; minus strand). Cytogenetic location: 16q24.3.
Variant type: Microsatellite.
Coding change: c.3239_3240del on transcript NM_013275.6 (MANE Select); coding-DNA positions 3239 to 3240, 2 bases deleted (TC; older notation c.3239_3240delTC).
Protein change: p.Leu1080fs; shifts the reading frame from leucine 1080.
Molecular consequence: frameshift variant.
Genome position (GRCh38, 1-based): chr16:89,283,302-89,283,303, GA deleted on the plus strand (TC on the coding strand, the reverse complement: ANKRD11 is on the minus strand); deleting any 2 consecutive bases within chr16:89,283,302-89,283,307 gives the same sequence; the c. name uses the placement nearest the transcript's 3' end. VCF-style (leftmost placement, unchanged base first): chr16-89283301-CGA-C. GRCh37 (hg19) VCF-style: chr16-89349709-CGA-C.
Other names: c.3239_3240del, p.Leu1080fs (NM_001256182.2, NM_001256183.2); short protein forms L1080fs.
Identifiers: ClinVar variation 2043709 (VCV002043709.4), dbSNP rs2544238198, ClinGen allele CA2580613981.

ClinVar aggregate classification (germline): Pathogenic (1 of 4 stars; one submission).

Conditions:
KBG syndrome (KBGS). Also called: ANKRD11-Related KBG Syndrome. Identifiers: Orphanet 2332, MedGen C0220687, MONDO:0007846, OMIM 148050.

Submission:

Labcorp Genetics (formerly Invitae), Labcorp
Classification: Pathogenic for KBG syndrome. Last evaluated: 2025-11-17. Review status: criteria provided, single submitter. Criteria: Invitae Variant Classification Sherloc (09022015). Collection method: clinical testing. Allele origin: germline.
Comment: This sequence change creates a premature translational stop signal (p.Leu1080Argfs*21) in the ANKRD11 gene. It is expected to result in an absent or disrupted protein product. Loss-of-function variants in ANKRD11 are known to be pathogenic (PMID: 21782149, 25125236, 25413698, 25652421). This variant is not present in population databases (gnomAD no frequency). This variant has not been reported in the literature in individuals affected with ANKRD11-related conditions. For these reasons, this variant has been classified as Pathogenic.

Literature cited by the submitters: PubMed 21782149; PubMed 25125236; PubMed 25413698; PubMed 25652421.